The following is an entry in ClinVar:

NM_001267550.2(TTN):c.31594G>T (p.Val10532Phe)

Gene: TTN (titin; minus strand). Cytogenetic location: 2q31.2.
Variant type: single nucleotide variant.
Coding change: c.31594G>T on transcript NM_001267550.2 (MANE Select); coding-DNA position 31594, G replaced by T.
Protein change: p.Val10532Phe; replaces valine 10532 with phenylalanine.
Molecular consequence: missense variant. On other transcripts: intron variant (3).
Genome position (GRCh38, 1-based): chr2:178,693,609, C>A on the plus strand (G>T on the coding strand, the complement: TTN is on the minus strand). VCF-style: chr2-178693609-C-A. GRCh37 (hg19) VCF-style: chr2-179558336-C-A.
Other names: c.31594G>T (LRG_391t1); c.30643G>T, p.Val10215Phe (NM_001256850.1); c.27862G>T, p.Val9288Phe (NM_133378.4); c.13282+44473G>T (NM_003319.4); c.13858+44473G>T (NM_133437.4); c.13657+44473G>T (NM_133432.3); short protein forms V10532F, V10215F, V9288F.
Identifiers: ClinVar variation 223349 (VCV000223349.9), dbSNP rs763955552, ClinGen allele CA090633.

ClinVar aggregate classification (germline): Uncertain significance. Review status: criteria provided, multiple submitters, no conflicts (2 of 4 stars). 2 submissions from 2 submitters: Uncertain significance (2). Last evaluated 2021-12-09.

Conditions:
Primary dilated cardiomyopathy (DCM). Also called: Dilated Cardiomyopathy. Identifiers: Orphanet 217604, MedGen C0007193, MeSH D002311, MONDO:0005021, HP:0001644. Inheritance: Various modes of inheritance.
Dilated cardiomyopathy 1G (CMD1G). Identifiers: Orphanet 154, MedGen C1858763, MONDO:0011400, OMIM 604145.
Autosomal recessive limb-girdle muscular dystrophy type 2J (LGMDR10). Also called: Limb-girdle muscular dystrophy, type 2J; MUSCULAR DYSTROPHY, LIMB-GIRDLE, AUTOSOMAL RECESSIVE 10. Identifiers: Orphanet 140922, MedGen C1837342, MONDO:0012127, OMIM 608807.

Allele frequency attached by ClinVar (database versions not stated): TOPMed 0.00002.

Submissions (2):

Labcorp Genetics (formerly Invitae), Labcorp
Classification: Uncertain significance for Dilated cardiomyopathy 1G; Autosomal recessive limb-girdle muscular dystrophy type 2J. Last evaluated: 2021-12-09. Review status: criteria provided, single submitter. Criteria: Invitae Variant Classification Sherloc (09022015). Collection method: clinical testing. Allele origin: germline.
Comment: ClinVar contains an entry for this variant (Variation ID: 223349). This missense change has been observed in individual(s) with clinical features of TTN-related conditions (PMID: 21520333). The frequency data for this variant in the population databases is considered unreliable, as metrics indicate poor data quality at this position in the gnomAD database. This sequence change replaces valine, which is neutral and non-polar, with phenylalanine, which is neutral and non-polar, at codon 10532 of the TTN protein (p.Val10532Phe). This variant also falls at the last nucleotide of exon 119, which is part of the consensus splice site for this exon. In summary, the available evidence is currently insufficient to determine the role of this variant in disease. Therefore, it has been classified as a Variant of Uncertain Significance. This variant is located in the I band of TTN (PMID: 25589632). Variants in this region may be clinically relevant, but have not been definitively shown to cause cardiomyopathy or neuromuscular disease (PMID: 27493940, 32778822). Variants that disrupt the consensus splice site are a relatively common cause of aberrant splicing (PMID: 17576681, 9536098). Algorithms developed to predict the effect of sequence changes on RNA splicing suggest that this variant may disrupt the consensus splice site. Experimental studies and prediction algorithms are not available or were not evaluated, and the functional significance of this variant is currently unknown.

Cardiovascular Biomedical Research Unit, Royal Brompton & Harefield NHS Foundation Trust
Classification: Uncertain significance for Primary dilated cardiomyopathy. Last evaluated: 2014-10-08. Review status: criteria provided, single submitter. Criteria: Roberts et al. 2015. Collection method: research. Allele origin: germline. Inheritance: Autosomal dominant inheritance. Affected: no. Observed: 1 variant allele. Study: JHS cohort.
Comment: In the seven cohorts assessed, TTNtv were found in 14% of ambulant DCM, 22% end-stage or familial DCM, and 2% controls. Heterozygous nonsense, frameshift and canonical splice-disrupting variants found in constitutive and other highly utilised exons are highly likely to be pathogenic when identified in individuals with phenotypically confirmed DCM. TTNtv found incidentally in healthy individuals (excluding familial assessment of DCM relatives) are thought to have low penetrance, particularly when identified in exons that are not constitutively expressed in the heart.

Literature cited by the submitters: PubMed 21520333 (cited by Labcorp Genetics (formerly Invitae), Labcorp); PubMed 25589632 (cited by Labcorp Genetics (formerly Invitae), Labcorp); PubMed 27493940 (cited by Labcorp Genetics (formerly Invitae), Labcorp); PubMed 32778822 (cited by Labcorp Genetics (formerly Invitae), Labcorp); PubMed 17576681 (cited by Labcorp Genetics (formerly Invitae), Labcorp); PubMed 9536098 (cited by Labcorp Genetics (formerly Invitae), Labcorp).